The following is an entry in ClinVar:

NM_017617.5(NOTCH1):c.2668G>A (p.Gly890Ser)

Gene: NOTCH1 (notch receptor 1; minus strand). Cytogenetic location: 9q34.3.
Variant type: single nucleotide variant.
Coding change: c.2668G>A on transcript NM_017617.5 (MANE Select); coding-DNA position 2668, G replaced by A.
Protein change: p.Gly890Ser; replaces glycine 890 with serine.
Molecular consequence: missense variant.
Genome position (GRCh38, 1-based): chr9:136,510,725, C>T on the plus strand (G>A on the coding strand, the complement: NOTCH1 is on the minus strand). VCF-style: chr9-136510725-C-T. GRCh37 (hg19) VCF-style: chr9-139405177-C-T.
Other names: short protein forms G890S.
Identifiers: ClinVar variation 1223688 (VCV001223688.6), dbSNP rs1248255443, ClinGen allele CA375554907.

ClinVar aggregate classification (germline): Conflicting classifications of pathogenicity. Review status: criteria provided, conflicting classifications (1 of 4 stars). 3 submissions from 3 submitters: Uncertain significance (1); Benign (1); Likely benign (1). Last evaluated 2024-05-28.

Conditions:
Adams-Oliver syndrome 5 (AOS5). Identifiers: Orphanet 974, MedGen C4014970, MONDO:0014459, OMIM 616028.
Familial thoracic aortic aneurysm and aortic dissection (TAAD). Also called: Thoracic aortic aneurysms and dissections. Identifiers: Orphanet 91387, MedGen C4707243, MONDO:0019625.

Allele frequency attached by ClinVar (database versions not stated): gnomAD exomes below 0.00001 and 0.00001; gnomAD 0.00002; TOPMed 0.00002.
gnomAD v4.1: 12 of 1,610,232 alleles (0.00075%); highest among the groups gnomAD compares: South Asian, 0.0033%; no homozygotes.

Submissions (3):

Ambry Genetics
Classification: Likely benign for Familial thoracic aortic aneurysm and aortic dissection. Last evaluated: 2024-05-28. Review status: criteria provided, single submitter. Criteria: Ambry Variant Classification Scheme 2023. Collection method: clinical testing. Allele origin: germline.

Labcorp Genetics (formerly Invitae), Labcorp
Classification: Benign for Adams-Oliver syndrome 5. Last evaluated: 2024-03-26. Review status: criteria provided, single submitter. Criteria: Invitae Variant Classification Sherloc (09022015). Collection method: clinical testing. Allele origin: germline.

GeneDx
Classification: Uncertain significance. Last evaluated: 2021-06-11. Review status: criteria provided, single submitter. Criteria: GeneDx Variant Classification Process June 2021. Collection method: clinical testing. Allele origin: germline. Affected: yes.
Comment: Has not been previously published as pathogenic or benign to our knowledge; Not observed at significant frequency in large population cohorts (Lek et al., 2016); In silico analysis supports that this missense variant does not alter protein structure/function; This variant is associated with the following publications: (PMID: 27535533)